The following is an entry in ClinVar:

NM_003640.5(ELP1):c.3032G>A (p.Arg1011His)

Gene: ELP1 (elongator acetyltransferase complex subunit 1; minus strand). Cytogenetic location: 9q31.3.
Variant type: single nucleotide variant.
Coding change: c.3032G>A on transcript NM_003640.5 (MANE Select); coding-DNA position 3032, G replaced by A.
Protein change: p.Arg1011His; replaces arginine 1011 with histidine.
Molecular consequence: missense variant.
Genome position (GRCh38, 1-based): chr9:108,891,331, C>T on the plus strand (G>A on the coding strand, the complement: ELP1 is on the minus strand). VCF-style: chr9-108891331-C-T. GRCh37 (hg19) VCF-style: chr9-111653611-C-T.
Other names: c.2690G>A, p.Arg897His (NM_001318360.2); c.1985G>A, p.Arg662His (NM_001330749.2); c.3032G>A (NM_003640.4, LRG_251t1); short protein forms R1011H, R662H, R897H.
Identifiers: ClinVar variation 526186 (VCV000526186.51), dbSNP rs368999377, ClinGen allele CA5174454.
Genomic context (GRCh38, chr9:108,891,331, plus strand): 5'-GCTTGCTTCCAGTTGCCACATGTCAGAAAGGCTGAGAGAGCTTTCTCGTGGGCACCGCAA[C>T]GGGCAAACATGAGCCCCGCTGGCTCATACATGTGCTCCTGCATCAGGTGCTCCCCATAAG-3'
Protein context (NP_003631.2, residues 1001-1021): MYEPAGLMFA[Arg1011His]CGAHEKALSA

ClinVar aggregate classification (germline): Uncertain significance. Review status: criteria provided, multiple submitters, no conflicts (2 of 4 stars). 6 submissions from 6 submitters: Uncertain significance (5). 1 of the submissions does not count toward it. Last evaluated 2025-11-17.

Conditions:
Familial dysautonomia. Also called: FD; HSAN III. Identifiers: Orphanet 1764, MedGen C0013364, MONDO:0009131, OMIM 223900. Disease mechanism: loss of function.
Medulloblastoma (MDB). Also called: Medulloblastoma, somatic; MEDULLOBLASTOMA PREDISPOSITION SYNDROME. Identifiers: Orphanet 616, MedGen C0025149, MeSH D008527, MONDO:0007959, OMIM 155255, HP:0002885.
ELP1-related disorder. Also called: ELP1-related condition.

Allele frequency attached by ClinVar (database versions not stated): gnomAD exomes 0.00004 and 0.00006; gnomAD 0.00005 and 0.00004; ExAC 0.00008; ESP Exome Variant Server 0.00008; 1000 Genomes Project 30x 0.00016; 1000 Genomes Project 0.00020; TOPMed 0.00002.
gnomAD v4.1: 68 of 1,614,134 alleles (0.0042%); highest among the groups gnomAD compares: Middle Eastern, 0.017%; no homozygotes.

Submissions (6):

PreventionGenetics, part of Exact Sciences
Classification: Uncertain significance for ELP1-related condition. Last evaluated: 2025-11-17. Review status: criteria provided, single submitter. Criteria: ACMG Guidelines, 2015. Collection method: clinical testing. Allele origin: germline.
Comment: The ELP1 c.3032G>A variant is predicted to result in the amino acid substitution p.Arg1011His. To our knowledge, this variant has not been reported in the literature. This variant is reported in 0.0080% of alleles in individuals of African descent in gnomAD. At this time, the clinical significance of this variant is uncertain due to the absence of conclusive functional and genetic evidence.

Fulgent Genetics
Classification: Uncertain significance for Medulloblastoma; Familial dysautonomia. Last evaluated: 2024-04-08. Review status: criteria provided, single submitter. Criteria: ACMG Guidelines, 2015. Collection method: clinical testing. Allele origin: germline.

Ambry Genetics
Classification: Uncertain significance. Last evaluated: 2023-09-27. Review status: criteria provided, single submitter. Criteria: Ambry Variant Classification Scheme 2023. Collection method: clinical testing. Allele origin: germline.

Labcorp Genetics (formerly Invitae), Labcorp
Classification: Uncertain significance. Last evaluated: 2022-08-16. Review status: criteria provided, single submitter. Criteria: Invitae Variant Classification Sherloc (09022015). Collection method: clinical testing. Allele origin: germline.
Comment: This sequence change replaces arginine, which is basic and polar, with histidine, which is basic and polar, at codon 1011 of the IKBKAP protein (p.Arg1011His). The frequency data for this variant in the population databases is considered unreliable, as metrics indicate poor data quality at this position in the gnomAD database. This variant has not been reported in the literature in individuals affected with IKBKAP-related conditions. ClinVar contains an entry for this variant (Variation ID: 526186). Algorithms developed to predict the effect of missense changes on protein structure and function are either unavailable or do not agree on the potential impact of this missense change (SIFT: "Deleterious"; PolyPhen-2: "Probably Damaging"; Align-GVGD: "Class C0"). In summary, the available evidence is currently insufficient to determine the role of this variant in disease. Therefore, it has been classified as a Variant of Uncertain Significance.

CeGaT Center for Human Genetics Tuebingen
Classification: Uncertain significance. Last evaluated: 2018-08-01. Review status: criteria provided, single submitter. Criteria: CeGaT Center For Human Genetics Tuebingen Variant Classification Criteria Version 2. Collection method: clinical testing. Allele origin: germline. Affected: yes. Observed: 1 variant allele.

Natera, Inc.
Classification: Uncertain significance for Familial dysautonomia. Last evaluated: 2020-09-16. Review status: no assertion criteria provided. Collection method: clinical testing. Allele origin: germline. Not counted in ClinVar's aggregate classification.